The following is an entry in ClinVar:

ClinVar aggregate classification (germline): Benign. Review status: criteria provided, multiple submitters, no conflicts (2 of 4 stars). 4 submissions from 4 submitters: Benign (3). 1 of the submissions does not count toward it. Last evaluated 2018-06-30.

Allele frequency attached by ClinVar (database versions not stated): gnomAD exomes 0.00626 and 0.01648; ExAC 0.01989; gnomAD 0.06082 and 0.06538; 1000 Genomes Project 0.06470; 1000 Genomes Project 30x 0.06886; TOPMed 0.06922; ESP Exome Variant Server 0.06928.
gnomAD v4.1: 18,768 of 1,610,374 alleles (1.2%); highest among the groups gnomAD compares: African/African-American, 21%; 1,734 homozygotes.

Submissions (4):

GeneDx
Classification: Benign. Last evaluated: 2018-06-30. Review status: criteria provided, single submitter. Criteria: GeneDx Variant Classification Process June 2021. Collection method: clinical testing. Allele origin: germline. Affected: yes.

Breakthrough Genomics
Classification: Benign. Review status: criteria provided, single submitter. Criteria: ACMG Guidelines, 2015. Collection method: not provided. Allele origin: germline. Inheritance: Autosomal recessive inheritance. Affected: yes.

PreventionGenetics, part of Exact Sciences
Classification: Benign. Review status: criteria provided, single submitter. Criteria: ACMG Guidelines, 2015. Collection method: clinical testing. Allele origin: germline.

Genetic Services Laboratory, University of Chicago
Classification: Likely benign. Review status: no assertion criteria provided. Collection method: clinical testing. Allele origin: germline. Inheritance: Autosomal recessive inheritance. Not counted in ClinVar's aggregate classification.
Comment: Likely benign based on allele frequency in 1000 Genomes Project or ESP global frequency and its presence in a patient with a rare or unrelated disease phenotype. NOT Sanger confirmed

NM_207346.3(TSEN54):c.521+39C>T

Gene: TSEN54 (tRNA splicing endonuclease subunit 54; plus strand). Cytogenetic location: 17q25.1.
Variant type: single nucleotide variant.
Coding change: c.521+39C>T on transcript NM_207346.3 (MANE Select); 39 bases into the intron after coding-DNA position 521, C replaced by T.
Molecular consequence: intron variant.
Genome position (GRCh38, 1-based): chr17:75,519,086, C>T. VCF-style: chr17-75519086-C-T. GRCh37 (hg19) VCF-style: chr17-73515167-C-T.
Identifiers: ClinVar variation 160135 (VCV000160135.9), dbSNP rs57636645, ClinGen allele CA173734.